The following is an entry in ClinVar:

ClinVar aggregate classification (germline): Uncertain significance. Review status: criteria provided, single submitter (1 of 4 stars). 3 submissions from 3 submitters: Uncertain significance (1). 2 of the submissions do not count toward it. Last evaluated 2024-01-13.

Conditions:
CEP290-related disorder. Also called: CEP290-related condition; CEP290-related disorders. Identifiers: MedGen CN239314.
Meckel syndrome, type 4 (MKS4). Also called: MECKEL-GRUBER SYNDROME, TYPE 4. Identifiers: Orphanet 564, MedGen C1970161, MONDO:0012626, OMIM 611134.
Joubert syndrome 5 (JBTS5). Identifiers: Orphanet 2318, MedGen C1857780, MONDO:0012432, OMIM 610188.
Bardet-Biedl syndrome 14 (BBS14). Identifiers: Orphanet 110, MedGen C2673874, MONDO:0014442, OMIM 615991.
Leber congenital amaurosis 10 (LCA10). Identifiers: Orphanet 65, MedGen C1857821, MONDO:0012723, OMIM 611755.
Senior-Loken syndrome 6 (SLSN6). Identifiers: Orphanet 3156, MedGen C1857779, MONDO:0012433, OMIM 610189.
Optic atrophy. Identifiers: MedGen C0029124, MONDO:0003608, HP:0000648.

gnomAD v4.1: 8 of 1,613,588 alleles (0.0005%); highest among the groups gnomAD compares: African/African-American, 0.0093%; no homozygotes.

Submissions (3):

Fulgent Genetics
Classification: Uncertain significance for Joubert syndrome 5; Senior-Loken syndrome 6; Meckel syndrome, type 4; Leber congenital amaurosis 10; Bardet-Biedl syndrome 14. Last evaluated: 2024-01-13. Review status: criteria provided, single submitter. Criteria: ACMG Guidelines, 2015. Collection method: clinical testing. Allele origin: germline.

PreventionGenetics, part of Exact Sciences
Classification: Uncertain significance for CEP290-related condition. Last evaluated: 2024-04-15. Review status: no assertion criteria provided. Collection method: clinical testing. Allele origin: germline. Not counted in ClinVar's aggregate classification.
Comment: The CEP290 c.4596C>G variant is predicted to result in the amino acid substitution p.His1532Gln. To our knowledge, this variant has not been reported in the literature. This variant is reported in 0.012% of alleles in individuals of African descent in gnomAD. At this time, the clinical significance of this variant is uncertain due to the absence of conclusive functional and genetic evidence.

Institute of Human Genetics, Univ. Regensburg, Univ. Regensburg
Classification: Uncertain significance for Optic atrophy. Last evaluated: 2022-01-01. Review status: no assertion criteria provided. Criteria: ACMG Guidelines, 2015. Collection method: clinical testing. Allele origin: germline. Affected: yes. Not counted in ClinVar's aggregate classification.

NM_025114.4(CEP290):c.4596C>G (p.His1532Gln)

Gene: CEP290 (centrosomal protein 290; minus strand). Cytogenetic location: 12q21.32.
Variant type: single nucleotide variant.
Coding change: c.4596C>G on transcript NM_025114.4 (MANE Select); coding-DNA position 4596, C replaced by G.
Protein change: p.His1532Gln; replaces histidine 1532 with glutamine.
Molecular consequence: missense variant.
Genome position (GRCh38, 1-based): chr12:88,084,694, G>C on the plus strand (C>G on the coding strand, the complement: CEP290 is on the minus strand). VCF-style: chr12-88084694-G-C. GRCh37 (hg19) VCF-style: chr12-88478471-G-C.
Other names: c.4596C>G (NM_025114.3); short protein forms H1532Q.
Identifiers: ClinVar variation 3250111 (VCV003250111.3).
Genomic context (GRCh38, chr12:88,084,694, plus strand): 5'-TTTTTGATTTAACCTTGCTTGCATGTTTGCAATGGTTTGATGAGCAATTTTCAATGTGTG[G>C]TGAGATTTTGGTTCCATCTCTTTTCTGCCTAGCTCAGCTATGAGCTTTTCTCTTTCTGCA-3'
Protein context (NP_079390.3, residues 1522-1542): LGRKEMEPKS[His1532Gln]HTLKIAHQTI